The following is an entry in ClinVar:

NM_018967.5(SNTG1):c.664G>A (p.Gly222Ser)

Gene: SNTG1 (syntrophin gamma 1; plus strand). Cytogenetic location: 8q11.21.
Variant type: single nucleotide variant.
Coding change: c.664G>A on transcript NM_018967.5 (MANE Select); coding-DNA position 664, G replaced by A.
Protein change: p.Gly222Ser; replaces glycine 222 with serine.
Molecular consequence: missense variant. On other transcripts: non-coding transcript variant (5).
Genome position (GRCh38, 1-based): chr8:50,536,792, G>A. VCF-style: chr8-50536792-G-A. GRCh37 (hg19) VCF-style: chr8-51449352-G-A.
Other names: c.664G>A, p.Gly222Ser (NM_001287813.3, NM_001287814.3, NM_001321773.2 and 4 more transcripts); short protein forms G222S.
Identifiers: ClinVar variation 3040002 (VCV003040002.2), dbSNP rs147200097, ClinGen allele CA4744084.

ClinVar aggregate classification (germline): Likely benign (0 of 4 stars; one submission).

Conditions:
SNTG1-related disorder. Also called: SNTG1-related condition.

Allele frequency attached by ClinVar (database versions not stated): 1000 Genomes Project 0.00040; 1000 Genomes Project 30x 0.00062; TOPMed 0.00136; gnomAD 0.00147; ESP Exome Variant Server 0.00231.
gnomAD v4.1: 3,327 of 1,613,864 alleles (0.21%); highest among the groups gnomAD compares: Non-Finnish European, 0.26%; 5 homozygotes.

Submission:

PreventionGenetics, part of Exact Sciences
Classification: Likely benign for SNTG1-related condition. Last evaluated: 2022-10-27. Review status: no assertion criteria provided. Collection method: clinical testing. Allele origin: germline.
Comment: This variant is classified as likely benign based on ACMG/AMP sequence variant interpretation guidelines (Richards et al. 2015 PMID: 25741868, with internal and published modifications).